The following is an entry in ClinVar:

NM_152564.5(VPS13B):c.4639C>T (p.Gln1547Ter)

Gene: VPS13B (vacuolar protein sorting 13 homolog B; plus strand). Cytogenetic location: 8q22.2.
Variant type: single nucleotide variant.
Coding change: c.4639C>T on transcript NM_152564.5 (MANE Select); coding-DNA position 4639, C replaced by T.
Protein change: p.Gln1547Ter; replaces glutamine 1547 with a stop codon.
Molecular consequence: nonsense.
Genome position (GRCh38, 1-based): chr8:99,520,904, C>T. VCF-style: chr8-99520904-C-T. GRCh37 (hg19) VCF-style: chr8-100533132-C-T.
Other names: c.4714C>T, p.Gln1572Ter (NM_017890.5); short protein forms Q1547*, Q1572*.
Identifiers: ClinVar variation 5014602 (VCV005014602.1).

ClinVar aggregate classification (germline): Pathogenic (1 of 4 stars; one submission).

Conditions:
Cohen syndrome (COH1). Also called: Cutis verticis gyrata, retinitis pigmentosa, and sensorineural deafness; PEPPER SYNDROME. Identifiers: Orphanet 193, MedGen C0265223, MONDO:0008999, OMIM 216550.

Submission:

Myriad Genetics, Inc.
Classification: Pathogenic for Cohen syndrome. Last evaluated: 2025-06-15. Review status: criteria provided, single submitter. Criteria: Myriad Autosomal Dominant, Autosomal Recessive and X-Linked Classification Criteria (2023). Collection method: clinical testing. Allele origin: unknown.
Comment: NM_017890.4(VPS13B):c.4714C>T(Q1572*) is expected to be pathogenic in the context of Cohen syndrome. This variant is predicted to lead to an abnormal or absent protein product due to the creation of a premature termination codon in VPS13B, a gene where loss-of-function variants are known to be pathogenic. Please note: this variant was assessed in the context of healthy population screening.